The following is an entry in ClinVar:

NM_133433.4(NIPBL):c.7915G>A (p.Val2639Ile)

Gene: NIPBL (NIPBL cohesin loading factor; plus strand). Cytogenetic location: 5p13.2.
Variant type: single nucleotide variant.
Coding change: c.7915G>A on transcript NM_133433.4 (MANE Select); coding-DNA position 7915, G replaced by A.
Protein change: p.Val2639Ile; replaces valine 2639 with isoleucine.
Molecular consequence: missense variant.
Genome position (GRCh38, 1-based): chr5:37,063,844, G>A. VCF-style: chr5-37063844-G-A. GRCh37 (hg19) VCF-style: chr5-37063946-G-A.
Other names: c.7915G>A, p.Val2639Ile (NM_015384.5); short protein forms V2639I.
Identifiers: ClinVar variation 3364161 (VCV003364161.1).

ClinVar aggregate classification (germline): Uncertain significance (1 of 4 stars; one submission).

Submission:

GeneDx
Classification: Uncertain significance. Last evaluated: 2023-11-09. Review status: criteria provided, single submitter. Criteria: GeneDx Variant Classification Process June 2021. Collection method: clinical testing. Allele origin: germline. Affected: yes.
Comment: Not observed at significant frequency in large population cohorts (gnomAD); In silico analysis supports that this missense variant does not alter protein structure/function; Has not been previously published as pathogenic or benign to our knowledge